The following is an entry in ClinVar:

NM_177550.5(SLC13A5):c.1654T>A (p.Phe552Ile)

Gene: SLC13A5 (solute carrier family 13 member 5; minus strand). Cytogenetic location: 17p13.1.
Variant type: single nucleotide variant.
Coding change: c.1654T>A on transcript NM_177550.5 (MANE Select); coding-DNA position 1654, T replaced by A.
Protein change: p.Phe552Ile; replaces phenylalanine 552 with isoleucine.
Molecular consequence: missense variant.
Genome position (GRCh38, 1-based): chr17:6,686,260, A>T on the plus strand (T>A on the coding strand, the complement: SLC13A5 is on the minus strand). VCF-style: chr17-6686260-A-T. GRCh37 (hg19) VCF-style: chr17-6589579-A-T.
Other names: NM_177550.5(SLC13A5):c.1654T>A; p.Phe552Ile; c.1516T>A, p.Phe506Ile (NM_001143838.3); c.1603T>A, p.Phe535Ile (NM_001284509.2); c.1525T>A, p.Phe509Ile (NM_001284510.2); short protein forms F535I, F509I, F506I, F552I.
Identifiers: ClinVar variation 1030354 (VCV001030354.6), dbSNP rs1453393447, ClinGen allele CA397736941.

ClinVar aggregate classification (germline): Uncertain significance. Review status: criteria provided, multiple submitters, no conflicts (2 of 4 stars). 3 submissions from 3 submitters: Uncertain significance (3). Last evaluated 2023-06-15.

Conditions:
Developmental and epileptic encephalopathy, 25 (DEE25). Also called: Developmental and epileptic encephalopathy 25, with amelogenesis imperfecta; Epileptic encephalopathy, early infantile, 25, with amelogenesis imperfecta; Epileptic encephalopathy, early infantile, 25. Identifiers: Orphanet 442835, MedGen C4014621, MONDO:0014392, OMIM 615905.

Allele frequency attached by ClinVar (database versions not stated): gnomAD exomes below 0.00001.
gnomAD v4.1: 1 of 1,614,144 alleles (0.000062%); highest among the groups gnomAD compares: East Asian, 0.0022%; no homozygotes.

Submissions (3):

Revvity Omics, Revvity
Classification: Uncertain significance for Developmental and epileptic encephalopathy, 25. Last evaluated: 2023-06-15. Review status: criteria provided, single submitter. Criteria: ACMG Guidelines, 2015. Collection method: clinical testing. Allele origin: germline.

Broad Center for Mendelian Genomics, Broad Institute of MIT and Harvard
Classification: Uncertain significance for Developmental and epileptic encephalopathy, 25. Last evaluated: 2021-11-02. Review status: criteria provided, single submitter. Criteria: ACMG Guidelines, 2015. Collection method: curation. Allele origin: germline. Inheritance: Autosomal recessive inheritance.
Comment: The p.Phe552Ile variant in SLC13A5 has been reported in 1 homozygous individual with developmental and epileptic encephalopathy (PMID: 31054490) and has been identified in 0.005% (1/18394) of East Asian chromosomes by the Genome Aggregation Database (gnomAD; dbSNP ID: rs1453393447). Although this variant has been seen in the general population in a heterozygous state, its frequency is low enough to be consistent with a recessive carrier frequency. This variant has also been reported in ClinVar (Variation ID#: 1030354) and has been interpreted as VUS by Baylor Genetics. Computational prediction tools and conservation analyses do not provide strong support for or against an impact to the protein. In summary, the clinical significance of the p.Phe552Ile variant is uncertain. ACMG/AMP Criteria applied: PM3_supporting, PM2_supporting (Richards 2015).

Baylor Genetics
Classification: Uncertain significance for Developmental and epileptic encephalopathy, 25. Last evaluated: 2020-08-27. Review status: criteria provided, single submitter. Criteria: ACMG Guidelines, 2015. Collection method: clinical testing. Allele origin: unknown. Affected: yes.
Comment: This variant was determined to be of uncertain significance according to ACMG Guidelines, 2015 [PMID:25741868].